The following is an entry in ClinVar:

NM_001085487.3(MYSM1):c.1166A>T (p.Glu389Val)

Gene: MYSM1 (Myb like, SWIRM and MPN domains 1; minus strand). Cytogenetic location: 1p32.1.
Variant type: single nucleotide variant.
Coding change: c.1166A>T on transcript NM_001085487.3 (MANE Select); coding-DNA position 1166, A replaced by T.
Protein change: p.Glu389Val; replaces glutamic acid 389 with valine.
Molecular consequence: missense variant.
Genome position (GRCh38, 1-based): chr1:58,681,878, T>A on the plus strand (A>T on the coding strand, the complement: MYSM1 is on the minus strand). VCF-style: chr1-58681878-T-A. GRCh37 (hg19) VCF-style: chr1-59147550-T-A.
Other names: short protein forms E389V.
Identifiers: ClinVar variation 1956592 (VCV001956592.5), dbSNP rs778474422, ClinGen allele CA877906.
Genomic context (GRCh38, chr1:58,681,878, plus strand): 5'-TAGCGTTCTGGTGTTTTAGCTTGGCGCCCCTCAAAAAACTCAGGAATTGCTTGTTTTTCT[T>A]CTTCTTGAATGATATTTCTATCTATTTCTATTTCCTGTTCTGGTGGCTTAAGCTCTTCTT-3'
Protein context (NP_001078956.1, residues 379-399): IEIDRNIIQE[Glu389Val]EKQAIPEFFE

ClinVar aggregate classification (germline): Uncertain significance (1 of 4 stars; one submission).

Allele frequency attached by ClinVar (database versions not stated): ExAC 0.00001; gnomAD exomes 0.00004.
gnomAD v4.1: 25 of 1,613,796 alleles (0.0015%); highest among the groups gnomAD compares: East Asian, 0.056%; no homozygotes.

Submission:

Labcorp Genetics (formerly Invitae), Labcorp
Classification: Uncertain significance. Last evaluated: 2023-10-15. Review status: criteria provided, single submitter. Criteria: Invitae Variant Classification Sherloc (09022015). Collection method: clinical testing. Allele origin: germline.
Comment: This sequence change replaces glutamic acid, which is acidic and polar, with valine, which is neutral and non-polar, at codon 389 of the MYSM1 protein (p.Glu389Val). This variant is present in population databases (rs778474422, gnomAD 0.006%). This variant has not been reported in the literature in individuals affected with MYSM1-related conditions. ClinVar contains an entry for this variant (Variation ID: 1956592). Advanced modeling of protein sequence and biophysical properties (such as structural, functional, and spatial information, amino acid conservation, physicochemical variation, residue mobility, and thermodynamic stability) has been performed at Invitae for this missense variant, however the output from this modeling did not meet the statistical confidence thresholds required to predict the impact of this variant on MYSM1 protein function. In summary, the available evidence is currently insufficient to determine the role of this variant in disease. Therefore, it has been classified as a Variant of Uncertain Significance.